The following is an entry in ClinVar:

ClinVar aggregate classification (germline): Uncertain significance (1 of 4 stars; one submission).

Submission:

Ambry Genetics
Classification: Uncertain significance. Last evaluated: 2025-02-06. Review status: criteria provided, single submitter. Criteria: Ambry Variant Classification Scheme 2023. Collection method: clinical testing. Allele origin: germline.
Comment: The p.P1183L variant (also known as c.3548C>T), located in coding exon 13 of the CDK12 gene, results from a C to T substitution at nucleotide position 3548. The proline at codon 1183 is replaced by leucine, an amino acid with similar properties. This amino acid position is conserved. In addition, this alteration is predicted to be tolerated by in silico analysis. Based on the available evidence, the clinical significance of this variant remains unclear.

NM_016507.4(CDK12):c.3548C>T (p.Pro1183Leu)

Gene: CDK12 (cyclin dependent kinase 12; plus strand). Cytogenetic location: 17q12.
Variant type: single nucleotide variant.
Coding change: c.3548C>T on transcript NM_016507.4 (MANE Select); coding-DNA position 3548, C replaced by T.
Protein change: p.Pro1183Leu; replaces proline 1183 with leucine.
Molecular consequence: missense variant.
Genome position (GRCh38, 1-based): chr17:39,526,104, C>T. VCF-style: chr17-39526104-C-T. GRCh37 (hg19) VCF-style: chr17-37682357-C-T.
Other names: c.3548C>T, p.Pro1183Leu (NM_015083.4); short protein forms P1183L.
Identifiers: ClinVar variation 3830618 (VCV003830618.1).